The following is an entry in ClinVar:

ClinVar aggregate classification (germline): Pathogenic (1 of 4 stars; one submission).

Submission:

Illumina Laboratory Services, Illumina
Classification: Pathogenic. Last evaluated: 2020-04-24. Review status: criteria provided, single submitter. Criteria: ICSL CNVClassificationCriteria Jul2020Prior. Collection method: clinical testing. Allele origin: unknown.
Comment: This CNV is a 29.6 Mb duplication of 4p16.3-4p15.1 on chromosome 4, (seq[GRCh37]dup(4)(p16.3p15.1); chr4:g.69671_29702595dup), which is found in a de novo state. This CNV constitutes a gain encompassing 229 genes and overlaps the well-described partial trisomy 4p syndrome region. This duplication fully encompasses the 4p16.3 duplication region that has been described in affected individuals in the literature (Partington et al. 1997; Bartocci et al. 2008; Hannes et al. 2010; SchÃ¶newolf-Greulich et al. 2013; Bi et al. 2016; Sagar et al. 2017; Wang et al. 2018). The 4p15.1-pter duplication has not been reported in published controls. Based on the collective evidence, this CNV is classified as pathogenic.

Literature cited by the submitters: PubMed 18166284; PubMed 20197130; PubMed 23894085; PubMed 27287194; PubMed 28407363; PubMed 30377449; PubMed 9321756.

GRCh37/hg19 4p16.3-15.1(chr4:69671-29702595)x3

Genes: ABLIM2 (actin binding LIM protein family member 2; minus strand), ACOX3 (acyl-CoA oxidase 3, pristanoyl; minus strand), FGFBP2 (fibroblast growth factor binding protein 2; minus strand), MED28 (mediator complex subunit 28; plus strand), MIR95 (microRNA 95; minus strand) and 158 more. Cytogenetic location: 4p16.3-15.1.
Variant type: copy number gain.
Change: copy number 3 (three copies instead of two) of chr4:69,671-29,702,595 (29.63 Mb, GRCh37 coordinates, 1-based), cytogenetic band 4p16.3-15.1.
Identifiers: ClinVar variation 1180546 (VCV001180546.4).